The following is an entry in ClinVar:

ClinVar aggregate classification (germline): Uncertain significance. Review status: criteria provided, single submitter (1 of 4 stars). 2 submissions from 2 submitters: Uncertain significance (1). 1 of the submissions does not count toward it. Last evaluated 2021-09-01.

Conditions:
Dystrophin deficiency.
Duchenne muscular dystrophy (DMD). Also called: Duchenne Muscular Dystrophy (DMD); MUSCULAR DYSTROPHY, PSEUDOHYPERTROPHIC PROGRESSIVE, DUCHENNE TYPE. Identifiers: Orphanet 98896, MedGen C0013264, MONDO:0010679, OMIM 310200.

Allele frequency attached by ClinVar (database versions not stated): gnomAD exomes below 0.00001.
gnomAD v4.1: 1 of 1,211,321 alleles (0.000083%); highest among the groups gnomAD compares: East Asian, 0.003%; no homozygotes.

Submissions (2):

Labcorp Genetics (formerly Invitae), Labcorp
Classification: Uncertain significance for Duchenne muscular dystrophy. Last evaluated: 2021-09-01. Review status: criteria provided, single submitter. Criteria: Invitae Variant Classification Sherloc (09022015). Collection method: clinical testing. Allele origin: germline.
Comment: This sequence change replaces glutamine with glutamic acid at codon 365 of the DMD protein (p.Gln365Glu). The glutamine residue is highly conserved and there is a small physicochemical difference between glutamine and glutamic acid. This variant is not present in population databases (ExAC no frequency). This variant has not been reported in the literature in individuals affected with DMD-related conditions. Algorithms developed to predict the effect of missense changes on protein structure and function (SIFT, PolyPhen-2, Align-GVGD) all suggest that this variant is likely to be tolerated. In summary, the available evidence is currently insufficient to determine the role of this variant in disease. Therefore, it has been classified as a Variant of Uncertain Significance.

Natera, Inc.
Classification: Uncertain significance for Dystrophin deficiency. Last evaluated: 2020-09-16. Review status: no assertion criteria provided. Collection method: clinical testing. Allele origin: germline. Not counted in ClinVar's aggregate classification.

NM_004006.3(DMD):c.1093C>G (p.Gln365Glu)

Gene: DMD (dystrophin; minus strand). Cytogenetic location: Xp21.1.
Variant type: single nucleotide variant.
Coding change: c.1093C>G on transcript NM_004006.3 (MANE Select); coding-DNA position 1093, C replaced by G.
Protein change: p.Gln365Glu; replaces glutamine 365 with glutamic acid.
Molecular consequence: missense variant.
Genome position (GRCh38, 1-based): chrX:32,645,020, G>C on the plus strand (C>G on the coding strand, the complement: DMD is on the minus strand). VCF-style: chrX-32645020-G-C. GRCh37 (hg19) VCF-style: chrX-32663137-G-C.
Other names: c.1069C>G, p.Gln357Glu (NM_000109.4); c.1081C>G, p.Gln361Glu (NM_004009.3); c.724C>G, p.Gln242Glu (NM_004010.3); short protein forms Q365E, Q361E, Q242E, Q357E.
Identifiers: ClinVar variation 571577 (VCV000571577.7), dbSNP rs794726993, ClinGen allele CA412661891.